The following is an entry in ClinVar:

ClinVar aggregate classification (germline): Conflicting classifications of pathogenicity. Review status: criteria provided, conflicting classifications (1 of 4 stars). 5 submissions from 5 submitters: Uncertain significance (3); Benign (1); Likely benign (1). Last evaluated 2026-02-20.

Conditions:
Basal cell nevus syndrome 1 (BCNS1). Also called: GORLIN-GOLTZ SYNDROME; MULTIPLE BASAL CELL NEVI, ODONTOGENIC KERATOCYSTS, AND SKELETAL ANOMALIES. Identifiers: MedGen CN376810, MONDO:0958174, OMIM 109400.
Hereditary cancer-predisposing syndrome. Also called: Tumor predisposition; Hereditary neoplastic syndrome; Neoplastic Syndromes, Hereditary; Hereditary Cancer Syndrome. Identifiers: Orphanet 140162, MedGen C0027672, MeSH D009386, MONDO:0015356.
Gorlin syndrome. Also called: Nevoid Basal Cell Carcinoma Syndrome; Basal cell nevus syndrome. Identifiers: Orphanet 377, MedGen C0004779, MONDO:0007187.

Allele frequency attached by ClinVar (database versions not stated): TOPMed 0.00003; gnomAD 0.00004; ExAC 0.00002; gnomAD exomes 0.00002; ESP Exome Variant Server 0.00008.
gnomAD v4.1: 30 of 1,614,036 alleles (0.0019%); highest among the groups gnomAD compares: Admixed American, 0.005%; no homozygotes.

Submissions (5):

St. Jude Molecular Pathology, St. Jude Children's Research Hospital
Classification: Uncertain significance for Basal cell nevus syndrome 1. Last evaluated: 2026-02-20. Review status: criteria provided, single submitter. Criteria: St. Jude Assertion Criteria 2020. Collection method: clinical testing. Allele origin: germline.
Comment: The PTCH1 c.404G>A p.(Arg135Gln) missense change has a maximum subpopulation frequency of 0.0056% in gnomAD v2.1.1. The in silico tool REVEL predicts a deleterious effect on protein function, but to our knowledge this prediction has not been confirmed by functional studies. This variant has been reported in somatic tissue of an individual with sporadic basal cell carcinoma and co-occurs with a pathogenic variant, PTCH1 c.851_873delinsG p.(Lys284ArgfsTer33) (PMID: 25759019). In summary, the evidence currently available is insufficient to determine the clinical significance of this variant. It has therefore been classified as of uncertain significance.

Labcorp Genetics (formerly Invitae), Labcorp
Classification: Benign for Gorlin syndrome. Last evaluated: 2026-02-03. Review status: criteria provided, single submitter. Criteria: Invitae Variant Classification Sherloc (09022015). Collection method: clinical testing. Allele origin: germline.

Women's Health and Genetics/Laboratory Corporation of America, LabCorp
Classification: Likely benign. Last evaluated: 2025-09-02. Review status: criteria provided, single submitter. Criteria: LabCorp Variant Classification Summary - May 2015. Collection method: clinical testing. Allele origin: germline.
Comment: Variant summary: PTCH1 c.404G>A (p.Arg135Gln) results in a conservative amino acid change in the encoded protein sequence. Algorithms developed to predict the effect of missense changes on protein structure and function are either unavailable or do not agree on the potential impact of this missense change. The variant allele was found at a frequency of 1.9e-05 in 1614036 control chromosomes. The observed variant frequency exceeds the estimated maximal expected allele frequency for disease-causing variants in PTCH1. To our knowledge, no occurrence of c.404G>A in individuals affected with PTCH1-related conditions and no experimental evidence demonstrating its impact on protein function have been reported. ClinVar contains an entry for this variant (Variation ID: 219834). Based on the evidence outlined above, the variant was classified as likely benign.

GeneDx
Classification: Uncertain significance. Last evaluated: 2024-02-02. Review status: criteria provided, single submitter. Criteria: GeneDx Variant Classification Process June 2021. Collection method: clinical testing. Allele origin: germline. Affected: yes.
Comment: In silico analysis supports that this missense variant has a deleterious effect on protein structure/function; Has not been previously published as pathogenic or benign to our knowledge; This variant is associated with the following publications: (PMID: 8906794)

Ambry Genetics
Classification: Uncertain significance for Hereditary cancer-predisposing syndrome. Last evaluated: 2023-11-15. Review status: criteria provided, single submitter. Criteria: Ambry Variant Classification Scheme 2023. Collection method: clinical testing. Allele origin: germline.
Comment: The p.R135Q variant (also known as c.404G>A), located in coding exon 3 of the PTCH1 gene, results from a G to A substitution at nucleotide position 404. The arginine at codon 135 is replaced by glutamine, an amino acid with highly similar properties. This amino acid position is highly conserved in available vertebrate species. In addition, this alteration is predicted to be deleterious by in silico analysis. Since supporting evidence is limited at this time, the clinical significance of this alteration remains unclear.

NM_000264.5(PTCH1):c.404G>A (p.Arg135Gln)

Gene: PTCH1 (patched 1; minus strand). Cytogenetic location: 9q22.32.
Variant type: single nucleotide variant.
Coding change: c.404G>A on transcript NM_000264.5 (MANE Select); coding-DNA position 404, G replaced by A.
Protein change: p.Arg135Gln; replaces arginine 135 with glutamine.
Molecular consequence: missense variant. On other transcripts: 5 prime UTR variant (4), non-coding transcript variant (1).
Genome position (GRCh38, 1-based): chr9:95,485,865, C>T on the plus strand (G>A on the coding strand, the complement: PTCH1 is on the minus strand). VCF-style: chr9-95485865-C-T. GRCh37 (hg19) VCF-style: chr9-98248147-C-T.
Other names: c.206G>A, p.Arg69Gln (NM_001083602.3, NM_001354919.2); c.401G>A, p.Arg134Gln (NM_001083603.3); c.-50G>A (NM_001083604.3, NM_001083605.3, NM_001083606.3 and 1 more transcripts); c.404G>A, p.Arg135Gln (NM_001354918.2); short protein forms R69Q, R135Q, R134Q.
Identifiers: ClinVar variation 219834 (VCV000219834.17), dbSNP rs375628555, ClinGen allele CA349003.